The following is an entry in ClinVar:

ClinVar aggregate classification (germline): Pathogenic (1 of 4 stars; one submission).

Conditions:
Catecholaminergic polymorphic ventricular tachycardia 1. Also called: VENTRICULAR TACHYCARDIA, CATECHOLAMINERGIC POLYMORPHIC, 1, WITH OR WITHOUT ATRIAL DYSFUNCTION AND/OR DILATED CARDIOMYOPATHY; RYR2-Related Catecholaminergic Polymorphic Ventricular Tachycardia; VENTRICULAR TACHYCARDIA, STRESS-INDUCED POLYMORPHIC 1. Identifiers: Orphanet 3286, MedGen C1631597, MONDO:0011484, OMIM 604772.

Submission:

Labcorp Genetics (formerly Invitae), Labcorp
Classification: Pathogenic for Catecholaminergic polymorphic ventricular tachycardia 1. Last evaluated: 2023-09-10. Review status: criteria provided, single submitter. Criteria: Invitae Variant Classification Sherloc (09022015). Collection method: clinical testing. Allele origin: germline.
Comment: This sequence change creates a premature translational stop signal (p.Gln205Glufs*3) in the TRDN gene. While this is not anticipated to result in nonsense mediated decay, it is expected to disrupt the last 525 amino acid(s) of the TRDN protein. This variant is not present in population databases (gnomAD no frequency). This variant has not been reported in the literature in individuals affected with TRDN-related conditions. Algorithms developed to predict the effect of sequence changes on RNA splicing suggest that this variant may disrupt the consensus splice site. This variant disrupts a region of the TRDN protein in which other variant(s) (p.Ala208Leufs*15, p.Gln205*) have been determined to be pathogenic (PMID: 22422768, 26200674, 30649896). This suggests that this is a clinically significant region of the protein, and that variants that disrupt it are likely to be disease-causing. For these reasons, this variant has been classified as Pathogenic.

Literature cited by the submitters: PubMed 22422768; PubMed 26200674; PubMed 30649896.

NC_000006.12:g.123503896TCTGT[1]

Gene: TRDN (triadin; minus strand). Cytogenetic location: 6q22.31.
Variant type: Microsatellite.
Genome position: GRCh38 VCF-style: chr6-123503894-CTTCTG-C. GRCh37 (hg19) VCF-style: chr6-123825039-CTTCTG-C.
Identifiers: ClinVar variation 2920531 (VCV002920531.3), ClinGen allele CA3984318.
Genomic context (GRCh38, chr6:123,503,894, plus strand): 5'-TTTTCCACCTTTCACTTCCTTTTTAGTCTTTTCTTCACTCTTTTCTGCAGTCTTAGCTTT[CTTCTG>C]TTCTGTATAAAGTTAAAAGATGTTGAAATACTTTTGTTTATTTACAAACATAATGTTTCA-3'